The following is an entry in ClinVar:

ClinVar aggregate classification (germline): Benign (1 of 4 stars; one submission).

Allele frequency attached by ClinVar (database versions not stated): 1000 Genomes Project 30x 0.00078; 1000 Genomes Project 0.00100.

Submission:

CeGaT Center for Human Genetics Tuebingen
Classification: Benign. Last evaluated: 2025-12-01. Review status: criteria provided, single submitter. Criteria: CeGaT Center For Human Genetics Tuebingen Variant Classification Criteria Version 2. Collection method: clinical testing. Allele origin: germline. Affected: yes. Observed: 2 variant alleles.
Comment: KRT6A: BS1, BS2

NM_005554.4(KRT6A):c.460C>G (p.Pro154Ala)

Gene: KRT6A (keratin 6A; minus strand). Cytogenetic location: 12q13.13.
Variant type: single nucleotide variant.
Coding change: c.460C>G on transcript NM_005554.4 (MANE Select); coding-DNA position 460, C replaced by G.
Protein change: p.Pro154Ala; replaces proline 154 with alanine.
Molecular consequence: missense variant.
Genome position (GRCh38, 1-based): chr12:52,492,729, G>C on the plus strand (C>G on the coding strand, the complement: KRT6A is on the minus strand). VCF-style: chr12-52492729-G-C. GRCh37 (hg19) VCF-style: chr12-52886513-G-C.
Other names: short protein forms P154A.
Identifiers: ClinVar variation 2643027 (VCV002643027.24), dbSNP rs11836126, ClinGen allele CA6582260.
Genomic context (GRCh38, chr12:52,492,729, plus strand): 5'-ACTTGTTGTTGAGGGTCTTGATCTGTTCACGCTCCTCAGCCCGCACCCGCTGGATGGTGG[G>C]ATCGATTTGCAGGTTGAGGGGAGTCAGGAGACTCTGGTTGACGGTGACCTCTTGGATGCC-3'
Protein context (NP_005545.1, residues 144-164): LLTPLNLQID[Pro154Ala]TIQRVRAEER